The following is an entry in ClinVar:

ClinVar aggregate classification (germline): Uncertain significance (1 of 4 stars; one submission).

Conditions:
Hermansky-Pudlak syndrome 2 (HPS2). Also called: Platelet defects and oculocutaneous albinism. Identifiers: Orphanet 183678, Orphanet 79430, MedGen C1842362, MONDO:0011997, OMIM 608233.

gnomAD v4.1: 2 of 1,613,426 alleles (0.00012%); highest among the groups gnomAD compares: Non-Finnish European, 0.00017%; no homozygotes.

Submission:

Labcorp Genetics (formerly Invitae), Labcorp
Classification: Uncertain significance for Hermansky-Pudlak syndrome 2. Last evaluated: 2021-04-08. Review status: criteria provided, single submitter. Criteria: Invitae Variant Classification Sherloc (09022015). Collection method: clinical testing. Allele origin: germline.
Comment: In summary, the available evidence is currently insufficient to determine the role of this variant in disease. Therefore, it has been classified as a Variant of Uncertain Significance. Algorithms developed to predict the effect of sequence changes on RNA splicing suggest that this variant may create or strengthen a splice site, but this prediction has not been confirmed by published transcriptional studies. Algorithms developed to predict the effect of missense changes on protein structure and function are either unavailable or do not agree on the potential impact of this missense change (SIFT: "Deleterious"; PolyPhen-2: "Probably Damaging"; Align-GVGD: "Class C0"). This variant has not been reported in the literature in individuals with AP3B1-related conditions. This variant is not present in population databases (ExAC no frequency). This sequence change replaces phenylalanine with leucine at codon 375 of the AP3B1 protein (p.Phe375Leu). The phenylalanine residue is highly conserved and there is a small physicochemical difference between phenylalanine and leucine.

NM_003664.5(AP3B1):c.1125C>G (p.Phe375Leu)

Gene: AP3B1 (adaptor related protein complex 3 subunit beta 1; minus strand). Cytogenetic location: 5q14.1.
Variant type: single nucleotide variant.
Coding change: c.1125C>G on transcript NM_003664.5 (MANE Select); coding-DNA position 1125, C replaced by G.
Protein change: p.Phe375Leu; replaces phenylalanine 375 with leucine.
Molecular consequence: missense variant.
Genome position (GRCh38, 1-based): chr5:78,175,668, G>C on the plus strand (C>G on the coding strand, the complement: AP3B1 is on the minus strand). VCF-style: chr5-78175668-G-C. GRCh37 (hg19) VCF-style: chr5-77471492-G-C.
Other names: c.978C>G, p.Phe326Leu (NM_001271769.2); short protein forms F326L, F375L.
Identifiers: ClinVar variation 1432571 (VCV001432571.8), dbSNP rs2112401517, ClinGen allele CA360189456.